The following is an entry in ClinVar:

ClinVar aggregate classification (germline): Uncertain significance (1 of 4 stars; one submission).

Submission:

GeneDx
Classification: Uncertain significance. Last evaluated: 2017-05-18. Review status: criteria provided, single submitter. Criteria: GeneDx Variant Classification (06012015). Collection method: clinical testing. Allele origin: germline. Affected: yes.
Comment: The S174P variant in the GATA1 gene has not been reported previously as a pathogenic variant, nor as a benign variant, to our knowledge. The S174P variant is not observed in large population cohorts (Lek et al., 2016; 1000 Genomes Consortium et al., 2015; Exome Variant Server). The S174P variant is a non-conservative amino acid substitution, which is likely to impact secondary protein structure as these residues differ in polarity, charge, size and/or other properties. This substitution occurs at a position that is not conserved. In silico analysis is inconsistent in its predictions as to whether or not the variant is damaging to the protein structure/function. We interpret S174P as a variant of uncertain significance.

NM_002049.4(GATA1):c.520T>C (p.Ser174Pro)

Gene: GATA1 (GATA binding protein 1; plus strand). Cytogenetic location: Xp11.23.
Variant type: single nucleotide variant.
Coding change: c.520T>C on transcript NM_002049.4 (MANE Select); coding-DNA position 520, T replaced by C.
Protein change: p.Ser174Pro; replaces serine 174 with proline.
Molecular consequence: missense variant.
Genome position (GRCh38, 1-based): chrX:48,792,143, T>C. VCF-style: chrX-48792143-T-C. GRCh37 (hg19) VCF-style: chrX-48650550-T-C.
Other names: short protein forms S174P.
Identifiers: ClinVar variation 430004 (VCV000430004.2), dbSNP rs1131691725, ClinGen allele CA412869693.